The following is an entry in ClinVar:

ClinVar aggregate classification (germline): Uncertain significance (1 of 4 stars; one submission).

Conditions:
46,XY sex reversal 9 (SRXY9). Also called: 46,XY SEX REVERSAL, ZFPM2-RELATED. Identifiers: Orphanet 251510, MedGen C4015129, MONDO:0014480, OMIM 616067.

Submission:

Labcorp Genetics (formerly Invitae), Labcorp
Classification: Uncertain significance for 46,XY sex reversal 9. Last evaluated: 2024-02-01. Review status: criteria provided, single submitter. Criteria: Invitae Variant Classification Sherloc (09022015). Collection method: clinical testing. Allele origin: germline.
Comment: This sequence change replaces glycine, which is neutral and non-polar, with glutamic acid, which is acidic and polar, at codon 779 of the ZFPM2 protein (p.Gly779Glu). This variant is not present in population databases (gnomAD no frequency). This variant has not been reported in the literature in individuals affected with ZFPM2-related conditions. An algorithm developed to predict the effect of missense changes on protein structure and function (PolyPhen-2) suggests that this variant is likely to be tolerated. In summary, the available evidence is currently insufficient to determine the role of this variant in disease. Therefore, it has been classified as a Variant of Uncertain Significance.

NM_012082.4(ZFPM2):c.2336G>A (p.Gly779Glu)

Genes: ZFPM2 (zinc finger protein, FOG family member 2; plus strand), ZFPM2-AS1 (ZFPM2 antisense RNA 1; minus strand), LOC126860469 (BRD4-independent group 4 enhancer GRCh37_chr8:106814445-106815644; plus strand). Cytogenetic location: 8q23.1.
Variant type: single nucleotide variant.
Coding change: c.2336G>A on transcript NM_012082.4 (MANE Select); coding-DNA position 2336, G replaced by A.
Protein change: p.Gly779Glu; replaces glycine 779 with glutamic acid.
Molecular consequence: missense variant.
Genome position (GRCh38, 1-based): chr8:105,802,418, G>A. VCF-style: chr8-105802418-G-A. GRCh37 (hg19) VCF-style: chr8-106814646-G-A.
Other names: c.2177G>A, p.Gly726Glu (NM_001362836.2); c.1940G>A, p.Gly647Glu (NM_001362837.2); short protein forms G647E, G726E, G779E.
Identifiers: ClinVar variation 3630923 (VCV003630923.2).